The following is an entry in ClinVar:

ClinVar aggregate classification (germline): Benign. Review status: criteria provided, multiple submitters, no conflicts (2 of 4 stars). 4 submissions from 4 submitters: Benign (3). 1 of the submissions does not count toward it. Last evaluated 2026-01-27.

Conditions:
VPS13D-related disorder. Also called: VPS13D-related condition.

Allele frequency attached by ClinVar (database versions not stated): gnomAD exomes 0.00219; ExAC 0.00221; gnomAD 0.00596; TOPMed 0.00675; ESP Exome Variant Server 0.00677; 1000 Genomes Project 30x 0.00781; 1000 Genomes Project 0.00799.
gnomAD v4.1: 2,293 of 1,611,408 alleles (0.14%); highest among the groups gnomAD compares: African/African-American, 2%; 26 homozygotes.

Submissions (4):

Labcorp Genetics (formerly Invitae), Labcorp
Classification: Benign. Last evaluated: 2026-01-27. Review status: criteria provided, single submitter. Criteria: Invitae Variant Classification Sherloc (09022015). Collection method: clinical testing. Allele origin: germline.

Mayo Clinic Laboratories, Mayo Clinic
Classification: Benign. Last evaluated: 2024-04-01. Review status: criteria provided, single submitter. Criteria: ACMG Guidelines, 2015. Collection method: clinical testing. Allele origin: germline. Observed: 4 variant alleles.
Comment: BS1, BS2, BP4, BP7

Breakthrough Genomics
Classification: Benign. Review status: criteria provided, single submitter. Criteria: ACMG Guidelines, 2015. Collection method: not provided. Allele origin: germline. Inheritance: Autosomal recessive inheritance. Affected: yes.

PreventionGenetics, part of Exact Sciences
Classification: Benign for VPS13D-related condition. Last evaluated: 2019-02-19. Review status: no assertion criteria provided. Collection method: clinical testing. Allele origin: germline. Not counted in ClinVar's aggregate classification.
Comment: This variant is classified as benign based on ACMG/AMP sequence variant interpretation guidelines (Richards et al. 2015 PMID: 25741868, with internal and published modifications).

NM_015378.4(VPS13D):c.5725+10G>T

Gene: VPS13D (vacuolar protein sorting 13 homolog D; plus strand). Cytogenetic location: 1p36.22.
Variant type: single nucleotide variant.
Coding change: c.5725+10G>T on transcript NM_015378.4 (MANE Select); 10 bases into the intron after coding-DNA position 5725, G replaced by T.
Molecular consequence: intron variant.
Genome position (GRCh38, 1-based): chr1:12,288,323, G>T. VCF-style: chr1-12288323-G-T. GRCh37 (hg19) VCF-style: chr1-12348380-G-T.
Other names: p.?; c.5725+10G>T (NM_018156.4).
Identifiers: ClinVar variation 787738 (VCV000787738.13), dbSNP rs114753093, ClinGen allele CA602393.